The following is an entry in ClinVar:

ClinVar aggregate classification (germline): Uncertain significance (1 of 4 stars; one submission).

Allele frequency attached by ClinVar (database versions not stated): ExAC 0.00005.
gnomAD v4.1: 28 of 1,551,340 alleles (0.0018%); highest among the groups gnomAD compares: Middle Eastern, 0.067%; no homozygotes.

Submission:

Labcorp Genetics (formerly Invitae), Labcorp
Classification: Uncertain significance. Last evaluated: 2021-09-17. Review status: criteria provided, single submitter. Criteria: Invitae Variant Classification Sherloc (09022015). Collection method: clinical testing. Allele origin: germline.
Comment: This sequence change replaces threonine with alanine at codon 4 of the FTO protein (p.Thr4Ala). The threonine residue is weakly conserved and there is a small physicochemical difference between threonine and alanine. This variant is present in population databases (rs752817421, ExAC 0.01%). This variant has not been reported in the literature in individuals affected with FTO-related conditions. Algorithms developed to predict the effect of missense changes on protein structure and function output the following: SIFT: "Tolerated"; PolyPhen-2: "Benign"; Align-GVGD: "Class C0". The alanine amino acid residue is found in multiple mammalian species, which suggests that this missense change does not adversely affect protein function. In summary, the available evidence is currently insufficient to determine the role of this variant in disease. Therefore, it has been classified as a Variant of Uncertain Significance.

NM_001080432.3(FTO):c.10A>G (p.Thr4Ala)

Gene: FTO (FTO alpha-ketoglutarate dependent dioxygenase; plus strand). Cytogenetic location: 16q12.2.
Variant type: single nucleotide variant.
Coding change: c.10A>G on transcript NM_001080432.3 (MANE Select); coding-DNA position 10, A replaced by G.
Protein change: p.Thr4Ala; replaces threonine 4 with alanine.
Molecular consequence: missense variant.
Genome position (GRCh38, 1-based): chr16:53,704,194, A>G. VCF-style: chr16-53704194-A-G. GRCh37 (hg19) VCF-style: chr16-53738106-A-G.
Other names: c.10A>G, p.Thr4Ala (NM_001363891.2, NM_001363894.2, NM_001363896.2 and 7 more transcripts); c.-683A>G (NM_001363905.2); short protein forms T4A.
Identifiers: ClinVar variation 1373733 (VCV001373733.5), dbSNP rs752817421, ClinGen allele CA8058256.